The following is an entry in ClinVar:

ClinVar aggregate classification (germline): Likely benign (1 of 4 stars; one submission).

Allele frequency attached by ClinVar (database versions not stated): gnomAD exomes below 0.00001 and 0.00001; gnomAD 0.00001; TOPMed 0.00001; ExAC 0.00002.
gnomAD v4.1: 8 of 1,614,036 alleles (0.0005%); highest among the groups gnomAD compares: Admixed American, 0.0067%; no homozygotes.

Submission:

GeneDx
Classification: Likely benign. Last evaluated: 2018-01-08. Review status: criteria provided, single submitter. Criteria: GeneDx Variant Classification (06012015). Collection method: clinical testing. Allele origin: germline. Affected: yes.
Comment: This variant is considered likely benign or benign based on one or more of the following criteria: it is a conservative change, it occurs at a poorly conserved position in the protein, it is predicted to be benign by multiple in silico algorithms, and/or has population frequency not consistent with disease.

NM_001151.4(SLC25A4):c.867G>T (p.Val289=)

Gene: SLC25A4 (solute carrier family 25 member 4; plus strand). Cytogenetic location: 4q35.1.
Variant type: single nucleotide variant.
Coding change: c.867G>T on transcript NM_001151.4 (MANE Select); coding-DNA position 867, G replaced by T.
Protein change: p.Val289=; no amino-acid change (valine 289 retained).
Molecular consequence: synonymous variant.
Genome position (GRCh38, 1-based): chr4:185,146,941, G>T. VCF-style: chr4-185146941-G-T. GRCh37 (hg19) VCF-style: chr4-186068095-G-T.
Identifiers: ClinVar variation 514777 (VCV000514777.1), dbSNP rs771474644, ClinGen allele CA3156596.